The following is an entry in ClinVar:

ClinVar aggregate classification (germline): Uncertain significance (1 of 4 stars; one submission).

Conditions:
Hereditary spastic paraplegia 39 (SPG39). Also called: SPASTIC PARAPLEGIA 39, AUTOSOMAL RECESSIVE; Spastic Paraplegia Type 39 (SPG39). Identifiers: Orphanet 139480, MedGen C2677586, MONDO:0012787, OMIM 612020.

Submission:

Labcorp Genetics (formerly Invitae), Labcorp
Classification: Uncertain significance for Hereditary spastic paraplegia 39. Last evaluated: 2017-07-14. Review status: criteria provided, single submitter. Criteria: Invitae Variant Classification Sherloc (09022015). Collection method: clinical testing. Allele origin: germline.
Comment: This variant has not been reported in the literature in individuals with PNPLA6-related disease. This variant is not present in population databases (ExAC no frequency). This sequence change replaces glycine with tryptophan at codon 1289 of the PNPLA6 protein (p.Gly1289Trp). The glycine residue is moderately conserved and there is a large physicochemical difference between glycine and tryptophan. In summary, the available evidence is currently insufficient to determine the role of this variant in disease. Therefore, it has been classified as a Variant of Uncertain Significance. Algorithms developed to predict the effect of missense changes on protein structure and function do not agree on the potential impact of this missense change (SIFT: "Deleterious"; PolyPhen-2: "Probably Damaging"; Align-GVGD: "Class C0").

NM_001166114.2(PNPLA6):c.3979G>T (p.Gly1327Trp)

Gene: PNPLA6 (patatin like domain 6, lysophospholipase; plus strand). Cytogenetic location: 19p13.2.
Variant type: single nucleotide variant.
Coding change: c.3979G>T on transcript NM_001166114.2 (MANE Select); coding-DNA position 3979, G replaced by T.
Protein change: p.Gly1327Trp; replaces glycine 1327 with tryptophan.
Molecular consequence: missense variant.
Genome position (GRCh38, 1-based): chr19:7,561,273, G>T. VCF-style: chr19-7561273-G-T. GRCh37 (hg19) VCF-style: chr19-7626159-G-T.
Other names: c.4009G>T, p.Gly1337Trp (NM_001166111.2); c.3784G>T, p.Gly1262Trp (NM_001166112.2); c.3865G>T, p.Gly1289Trp (NM_001166113.1, NM_006702.5); short protein forms G1289W, G1337W, G1262W, G1327W.
Identifiers: ClinVar variation 469622 (VCV000469622.8), dbSNP rs1555752329, ClinGen allele CA403139514.